The following is an entry in ClinVar:

NM_144596.4(TTC8):c.489+1G>A

Gene: TTC8 (tetratricopeptide repeat domain 8; plus strand). Cytogenetic location: 14q31.3.
Variant type: single nucleotide variant.
Coding change: c.489+1G>A on transcript NM_144596.4 (MANE Select); the canonical splice donor site of the intron after coding-DNA position 489, G replaced by A.
Molecular consequence: splice donor variant.
Genome position (GRCh38, 1-based): chr14:88,841,197, G>A. VCF-style: chr14-88841197-G-A. GRCh37 (hg19) VCF-style: chr14-89307541-G-A.
Other names: c.-104+1G>A (NM_001288782.1); c.459+1G>A (NM_001288781.1, NM_198309.3, NM_198310.3 and 2 more transcripts); c.-199+1G>A (NM_001288783.1).
Identifiers: ClinVar variation 3377639 (VCV003377639.1).

ClinVar aggregate classification (germline): Likely pathogenic (1 of 4 stars; one submission).

Conditions:
Bardet-Biedl syndrome 8 (BBS8). Identifiers: Orphanet 110, MedGen C1859566, MONDO:0014436, OMIM 615985.

Submission:

Neuberg Centre For Genomic Medicine, NCGM
Classification: Likely pathogenic for Bardet-Biedl syndrome 8. Review status: criteria provided, single submitter. Criteria: ACMG Guidelines, 2015. Collection method: clinical testing. Allele origin: germline. Inheritance: Autosomal recessive inheritance. Affected: yes.
Comment: The splice donor c.489+1G>A variant in the TTC8 gene has been reported previously in an individual affected with Bardet-Biedl Syndrome (Suspitsin et al., 2016). This variant is absent in the gnomAD Exomes. However study on multiple affected individuals and functional studies on the pathogenicity of the variant is unavailable. This variant change affects the donor splice site in intron 5 of the TTC8 gene. Loss of function variants have been previously reported to be disease causing (M'hamdi et al., 2014). For these reasons, this variant has been classified as Likely Pathogenic.